The following is an entry in ClinVar:

ClinVar aggregate classification (germline): Pathogenic (1 of 4 stars; one submission).

Conditions:
Salla disease (SD). Also called: Sialuria, Finnish type; N-acetylneuraminic acid (NANA) storage disease (NSD); Infantile sialic acid storage disorder (ISSD); Less Severe FSASD (Salla Disease). Identifiers: Orphanet 309334, Orphanet 834, MedGen C1096903, MONDO:0011449, OMIM 604369.

Submission:

Labcorp Genetics (formerly Invitae), Labcorp
Classification: Pathogenic for Salla disease. Last evaluated: 2023-01-08. Review status: criteria provided, single submitter. Criteria: Invitae Variant Classification Sherloc (09022015). Collection method: clinical testing. Allele origin: unknown.
Comment: For these reasons, this variant has been classified as Pathogenic. This variant disrupts a region of the SLC17A5 protein in which other variant(s) (p.Phe432Leufs*16) have been determined to be pathogenic (PMID: 15805149). This suggests that this is a clinically significant region of the protein, and that variants that disrupt it are likely to be disease-causing. This variant has not been reported in the literature in individuals affected with SLC17A5-related conditions. This variant is a gross deletion of the genomic region encompassing exon(s) 10 of the SLC17A5 gene. While this deletion is not anticipated to lead to nonsense mediated decay, it is expected to disrupt the C-terminus of the protein.

Literature cited by the submitters: PubMed 15805149.

NC_000006.11:g.(?_74310054)_(74310184_?)del

Gene: SLC17A5 (solute carrier family 17 member 5; minus strand). Cytogenetic location: 6q13.
Variant type: Deletion.
Identifiers: ClinVar variation 3245982 (VCV003245982.1).